The following is an entry in ClinVar:

ClinVar aggregate classification (germline): Uncertain significance (1 of 4 stars; one submission).

Conditions:
Congenital muscular dystrophy due to integrin alpha-7 deficiency. Also called: MYOPATHY, CONGENITAL, DUE TO INTEGRIN ALPHA-7 DEFICIENCY; Congenital muscular dystrophy with integrin alpha-7 deficiency; Muscular dystrophy, congenital, due to ITGA7 deficiency. Identifiers: Orphanet 34520, MedGen C2750786, MONDO:0013177, OMIM 613204.

Allele frequency attached by ClinVar (database versions not stated): ExAC 0.00002; gnomAD exomes 0.00002; gnomAD 0.00004 and 0.00005; TOPMed 0.00005; ESP Exome Variant Server 0.00008.

Submission:

Labcorp Genetics (formerly Invitae), Labcorp
Classification: Uncertain significance for Congenital muscular dystrophy due to integrin alpha-7 deficiency. Last evaluated: 2022-10-10. Review status: criteria provided, single submitter. Criteria: Invitae Variant Classification Sherloc (09022015). Collection method: clinical testing. Allele origin: germline.
Comment: This sequence change replaces arginine, which is basic and polar, with glutamine, which is neutral and polar, at codon 129 of the ITGA7 protein (p.Arg129Gln). This variant is present in population databases (rs376167554, gnomAD 0.008%). This variant has not been reported in the literature in individuals affected with ITGA7-related conditions. ClinVar contains an entry for this variant (Variation ID: 1469436). Advanced modeling of protein sequence and biophysical properties (such as structural, functional, and spatial information, amino acid conservation, physicochemical variation, residue mobility, and thermodynamic stability) performed at Invitae indicates that this missense variant is not expected to disrupt ITGA7 protein function. Algorithms developed to predict the effect of sequence changes on RNA splicing suggest that this variant may disrupt the consensus splice site. In summary, the available evidence is currently insufficient to determine the role of this variant in disease. Therefore, it has been classified as a Variant of Uncertain Significance.

NM_002206.3(ITGA7):c.386G>A (p.Arg129Gln)

Gene: ITGA7 (integrin subunit alpha 7; minus strand). Cytogenetic location: 12q13.2.
Variant type: single nucleotide variant.
Coding change: c.386G>A on transcript NM_002206.3 (MANE Select); coding-DNA position 386, G replaced by A.
Protein change: p.Arg129Gln; replaces arginine 129 with glutamine.
Molecular consequence: missense variant. On other transcripts: 5 prime UTR variant (1), intron variant (1).
Genome position (GRCh38, 1-based): chr12:55,702,900, C>T on the plus strand (G>A on the coding strand, the complement: ITGA7 is on the minus strand). VCF-style: chr12-55702900-C-T. GRCh37 (hg19) VCF-style: chr12-56096684-C-T.
Other names: c.386G>A, p.Arg129Gln (NM_001414029.1, NM_001414030.1, NM_001414031.1 and 6 more transcripts); c.47G>A, p.Arg16Gln (NM_001367993.1, NM_001414035.1); c.-787G>A (NM_001367994.1); c.86-1484G>A (NM_001144997.2); short protein forms R129Q, R16Q.
Identifiers: ClinVar variation 1469436 (VCV001469436.5), dbSNP rs376167554, ClinGen allele CA6616367.